The following is an entry in ClinVar:

NM_015270.5(ADCY6):c.780C>T (p.Ala260=)

Gene: ADCY6 (adenylate cyclase 6; minus strand). Cytogenetic location: 12q13.12.
Variant type: single nucleotide variant.
Coding change: c.780C>T on transcript NM_015270.5 (MANE Select); coding-DNA position 780, C replaced by T.
Protein change: p.Ala260=; no amino-acid change (alanine 260 retained).
Molecular consequence: synonymous variant. On other transcripts: non-coding transcript variant (1).
Genome position (GRCh38, 1-based): chr12:48,782,655, G>A on the plus strand (C>T on the coding strand, the complement: ADCY6 is on the minus strand). VCF-style: chr12-48782655-G-A. GRCh37 (hg19) VCF-style: chr12-49176438-G-A.
Other names: c.780C>T, p.Ala260= (NM_001390830.1, NM_001390831.2, NM_001412819.1 and 3 more transcripts).
Identifiers: ClinVar variation 5041108 (VCV005041108.1).

ClinVar aggregate classification (germline): Likely benign (1 of 4 stars; one submission).

gnomAD v4.1: 12 of 1,603,144 alleles (0.00075%); highest among the groups gnomAD compares: South Asian, 0.0078%; no homozygotes.

Submission:

CeGaT Center for Human Genetics Tuebingen
Classification: Likely benign. Last evaluated: 2026-09-01. Review status: criteria provided, single submitter. Criteria: CeGaT Center For Human Genetics Tuebingen Variant Classification Criteria Version 2. Collection method: clinical testing. Allele origin: germline. Affected: yes. Observed: 1 variant allele.
Comment: ADCY6: BP4, BP7